The following is an entry in ClinVar:

ClinVar aggregate classification (germline): Likely benign (1 of 4 stars; one submission).

Conditions:
Frank-Ter Haar syndrome. Also called: BORRONE DERMATOCARDIOSKELETAL SYNDROME; TER HAAR SYNDROME; MELNICK-NEEDLES SYNDROME, AUTOSOMAL RECESSIVE; Borrone di Rocco Crovato syndrome. Identifiers: Orphanet 1266, Orphanet 137834, MedGen C1855305, MONDO:0009579, OMIM 249420.

Allele frequency attached by ClinVar (database versions not stated): 1000 Genomes Project 30x 0.00047; 1000 Genomes Project 0.00060; gnomAD 0.00096 and 0.00099; TOPMed 0.00099; gnomAD exomes 0.00150.
gnomAD v4.1: 1,390 of 985,528 alleles (0.14%); highest among the groups gnomAD compares: Middle Eastern, 0.21%; 5 homozygotes.

Submission:

Illumina Laboratory Services, Illumina
Classification: Likely benign for Frank-Ter Haar syndrome. Last evaluated: 2018-01-13. Review status: criteria provided, single submitter. Criteria: ICSL Variant Classification Criteria 13 December 2019. Collection method: clinical testing. Allele origin: germline.
Comment: This variant was observed in the ICSL laboratory as part of a predisposition screen in an ostensibly healthy population. It had not been previously curated by ICSL or reported in the Human Gene Mutation Database (HGMD: prior to June 1st, 2018), and was therefore a candidate for classification through an automated scoring system. Utilizing variant allele frequency, disease prevalence and penetrance estimates, and inheritance mode, an automated score was calculated to assess if this variant is too frequent to cause the disease. Based on the score and internal cut-off values, a variant classified as likely benign is not then subjected to further curation. The score for this variant resulted in a classification of likely benign for this disease.

NM_001017995.3(SH3PXD2B):c.*843G>A

Gene: SH3PXD2B (SH3 and PX domains 2B; minus strand). Cytogenetic location: 5q35.1.
Variant type: single nucleotide variant.
Coding change: c.*843G>A on transcript NM_001017995.3 (MANE Select); 843 bases downstream of the stop codon, G replaced by A.
Molecular consequence: 3 prime UTR variant. On other transcripts: intron variant (1).
Genome position (GRCh38, 1-based): chr5:172,337,526, C>T on the plus strand (G>A on the coding strand, the complement: SH3PXD2B is on the minus strand). VCF-style: chr5-172337526-C-T. GRCh37 (hg19) VCF-style: chr5-171764530-C-T.
Other names: c.1188+8610G>A (NM_001308175.2).
Identifiers: ClinVar variation 352783 (VCV000352783.5), dbSNP rs143482443, ClinGen allele CA10621300.